The following is an entry in ClinVar:

NM_001111125.3(IQSEC2):c.3257T>C (p.Met1086Thr)

Gene: IQSEC2 (IQ motif and Sec7 domain ArfGEF 2; minus strand). Cytogenetic location: Xp11.22.
Variant type: single nucleotide variant.
Coding change: c.3257T>C on transcript NM_001111125.3 (MANE Select); coding-DNA position 3257, T replaced by C.
Protein change: p.Met1086Thr; replaces methionine 1086 with threonine.
Molecular consequence: missense variant.
Genome position (GRCh38, 1-based): chrX:53,238,165, A>G on the plus strand (T>C on the coding strand, the complement: IQSEC2 is on the minus strand). VCF-style: chrX-53238165-A-G. GRCh37 (hg19) VCF-style: chrX-53267347-A-G.
Other names: c.3257T>C, p.Met1086Thr (NM_001410736.1); c.2642T>C, p.Met881Thr (NM_015075.2); short protein forms M1086T, M881T.
Identifiers: ClinVar variation 3603198 (VCV003603198.1).

ClinVar aggregate classification (germline): Uncertain significance (1 of 4 stars; one submission).

Submission:

GeneDx
Classification: Uncertain significance. Last evaluated: 2024-08-08. Review status: criteria provided, single submitter. Criteria: GeneDx Variant Classification Process June 2021. Collection method: clinical testing. Allele origin: germline. Affected: yes.
Comment: Not observed at significant frequency in large population cohorts (gnomAD); In silico analysis supports that this missense variant has a deleterious effect on protein structure/function; Has not been previously published as pathogenic or benign to our knowledge